The following is an entry in ClinVar:

NM_173660.5(DOK7):c.1487G>T (p.Gly496Val)

Gene: DOK7 (docking protein 7; plus strand). Cytogenetic location: 4p16.3.
Variant type: single nucleotide variant.
Coding change: c.1487G>T on transcript NM_173660.5 (MANE Select); coding-DNA position 1487, G replaced by T.
Protein change: p.Gly496Val; replaces glycine 496 with valine.
Molecular consequence: missense variant. On other transcripts: 3 prime UTR variant (1).
Genome position (GRCh38, 1-based): chr4:3,493,473, G>T. VCF-style: chr4-3493473-G-T. GRCh37 (hg19) VCF-style: chr4-3495200-G-T.
Other names: c.*708G>T (NM_001164673.2); c.557G>T, p.Gly186Val (NM_001256896.2); c.1487G>T, p.Gly496Val (NM_001301071.2); c.1055G>T, p.Gly352Val (NM_001363811.2); short protein forms G496V, G352V, G186V.
Identifiers: ClinVar variation 571348 (VCV000571348.18), dbSNP rs373205256, ClinGen allele CA2829547.

ClinVar aggregate classification (germline): Uncertain significance. Review status: criteria provided, multiple submitters, no conflicts (2 of 4 stars). 4 submissions from 4 submitters: Uncertain significance (4). Last evaluated 2025-08-28.

Conditions:
Congenital myasthenic syndrome 10. Also called: Myasthenia, limb-girdle, familial. Identifiers: Orphanet 590, MedGen C1850792, MONDO:0009690, OMIM 254300.
Fetal akinesia deformation sequence 3. Identifiers: MedGen C4760599, MONDO:0100103, OMIM 618389.
Fetal akinesia deformation sequence 1 (FADS1). Also called: Fetal akinesia sequence; Pena-Shokeir syndrome type I. Identifiers: Orphanet 994, MedGen C1276035, MONDO:0100101, OMIM 208150, HP:0001989.

Allele frequency attached by ClinVar (database versions not stated): TOPMed 0.00007; 1000 Genomes Project 30x 0.00016; ESP Exome Variant Server 0.00017; 1000 Genomes Project 0.00020.
gnomAD v4.1: 222 of 1,611,124 alleles (0.014%); highest among the groups gnomAD compares: Non-Finnish European, 0.017%; no homozygotes.

Submissions (4):

GeneDx
Classification: Uncertain significance. Last evaluated: 2025-08-28. Review status: criteria provided, single submitter. Criteria: GeneDx Variant Classification Process June 2021. Collection method: clinical testing. Allele origin: germline. Affected: yes.
Comment: Observed in a patient with congenital myasthenic syndrome who had a second DOK7 variant in the published literature; however no additional clinical or familial segregation information was provided. (PMID: 22661499); In silico analysis supports that this missense variant has a deleterious effect on protein structure/function; This variant is associated with the following publications: (PMID: 22661499)

Revvity Omics, Revvity
Classification: Uncertain significance. Last evaluated: 2022-08-23. Review status: criteria provided, single submitter. Criteria: ACMG Guidelines, 2015. Collection method: clinical testing. Allele origin: germline.

Labcorp Genetics (formerly Invitae), Labcorp
Classification: Uncertain significance for Congenital myasthenic syndrome 10; Fetal akinesia deformation sequence 1. Last evaluated: 2022-08-21. Review status: criteria provided, single submitter. Criteria: Invitae Variant Classification Sherloc (09022015). Collection method: clinical testing. Allele origin: germline.
Comment: This sequence change replaces glycine, which is neutral and non-polar, with valine, which is neutral and non-polar, at codon 496 of the DOK7 protein (p.Gly496Val). This variant is present in population databases (rs373205256, gnomAD 0.03%). This missense change has been observed in individual(s) with DOK7-related conditions (PMID: 22661499). ClinVar contains an entry for this variant (Variation ID: 571348). Algorithms developed to predict the effect of missense changes on protein structure and function are either unavailable or do not agree on the potential impact of this missense change (SIFT: "Deleterious"; PolyPhen-2: "Probably Damaging"; Align-GVGD: "Class C0"). In summary, the available evidence is currently insufficient to determine the role of this variant in disease. Therefore, it has been classified as a Variant of Uncertain Significance.

Fulgent Genetics
Classification: Uncertain significance for Congenital myasthenic syndrome 10; Fetal akinesia deformation sequence 3. Last evaluated: 2021-07-27. Review status: criteria provided, single submitter. Criteria: ACMG Guidelines, 2015. Collection method: clinical testing. Allele origin: unknown.

Literature cited by the submitters: PubMed 22661499 (cited by Labcorp Genetics (formerly Invitae), Labcorp).